The following is an entry in ClinVar:

ClinVar aggregate classification (germline): Uncertain significance (1 of 4 stars; one submission).

gnomAD v4.1: 7 of 1,613,950 alleles (0.00043%); highest among the groups gnomAD compares: Admixed American, 0.0033%; no homozygotes.

Submission:

Labcorp Genetics (formerly Invitae), Labcorp
Classification: Uncertain significance. Last evaluated: 2025-04-16. Review status: criteria provided, single submitter. Criteria: Invitae Variant Classification Sherloc (09022015). Collection method: clinical testing. Allele origin: germline.
Comment: This sequence change replaces isoleucine, which is neutral and non-polar, with valine, which is neutral and non-polar, at codon 191 of the NDUFAF7 protein (p.Ile191Val). This variant is present in population databases (rs201517456, gnomAD 0.002%). This variant has not been reported in the literature in individuals affected with NDUFAF7-related conditions. ClinVar contains an entry for this variant (Variation ID: 3612698). An algorithm developed to predict the effect of missense changes on protein structure and function (PolyPhen-2) suggests that this variant is likely to be tolerated. In summary, the available evidence is currently insufficient to determine the role of this variant in disease. Therefore, it has been classified as a Variant of Uncertain Significance.

NM_144736.5(NDUFAF7):c.865A>G (p.Ile289Val)

Gene: NDUFAF7 (NADH:ubiquinone oxidoreductase complex assembly factor 7; plus strand). Cytogenetic location: 2p22.2.
Variant type: single nucleotide variant.
Coding change: c.865A>G on transcript NM_144736.5 (MANE Select); coding-DNA position 865, A replaced by G.
Protein change: p.Ile289Val; replaces isoleucine 289 with valine.
Molecular consequence: missense variant. On other transcripts: non-coding transcript variant (10).
Genome position (GRCh38, 1-based): chr2:37,246,124, A>G. VCF-style: chr2-37246124-A-G. GRCh37 (hg19) VCF-style: chr2-37473267-A-G.
Other names: c.571A>G, p.Ile191Val (NM_001083946.2); c.865A>G, p.Ile289Val (NM_001350024.2); c.784A>G, p.Ile262Val (NM_001350025.2); c.652A>G, p.Ile218Val (NM_001350027.2); short protein forms I191V, I218V, I262V, I289V.
Identifiers: ClinVar variation 3612698 (VCV003612698.2).